The following is an entry in ClinVar:

NM_002700.3(POU4F3):c.709T>G (p.Ser237Ala)

Genes: POU4F3 (POU class 4 homeobox 3; plus strand), LOC127814297 (RBM27-POU4F3; plus strand). Cytogenetic location: 5q32.
Variant type: single nucleotide variant.
Coding change: c.709T>G on transcript NM_002700.3 (MANE Select); coding-DNA position 709, T replaced by G.
Protein change: p.Ser237Ala; replaces serine 237 with alanine.
Molecular consequence: missense variant.
Genome position (GRCh38, 1-based): chr5:146,340,136, T>G. VCF-style: chr5-146340136-T-G. GRCh37 (hg19) VCF-style: chr5-145719699-T-G.
Other names: short protein forms S237A.
Identifiers: ClinVar variation 229154 (VCV000229154.5), dbSNP rs876657956, ClinGen allele CA10576654.
Genomic context (GRCh38, chr5:146,340,136, plus strand): 5'-ATCCCCGGCGTGGGCTCGCTGAGCCAAAGCACCATCTGCAGGTTCGAGTCTCTCACTCTC[T>G]CGCACAACAACATGATCGCTCTCAAGCCGGTGCTCCAGGCCTGGTTGGAGGAGGCCGAGG-3'
Protein context (NP_002691.1, residues 227-247): TICRFESLTL[Ser237Ala]HNNMIALKPV

ClinVar aggregate classification (germline): Uncertain significance (1 of 4 stars; one submission).

Submission:

Laboratory for Molecular Medicine, Mass General Brigham Personalized Medicine
Classification: Uncertain significance. Last evaluated: 2015-06-22. Review status: criteria provided, single submitter. Criteria: LMM Criteria. Collection method: clinical testing. Allele origin: germline. Observed: 1 variant allele.
Comment: The p.Ser237Ala variant in POU4F3 has not been previously reported in individual s with hearing loss and was absent from large population studies. Computational prediction tools and conservation analyses suggest that this variant may impact the protein, though this information is not predictive enough to determine patho genicity. In summary, the clinical significance of the p.Ser237Ala variant is un certain.